The following is an entry in ClinVar:

NM_032620.4(GTPBP3):c.665-47_665-46del

Gene: GTPBP3 (GTP binding protein 3, mitochondrial; plus strand). Cytogenetic location: 19p13.11.
Variant type: Deletion.
Coding change: c.665-47_665-46del on transcript NM_032620.4 (MANE Select); 47 bases into the intron before coding-DNA position 665 through 46 bases into the intron before coding-DNA position 665, 2 bases deleted (AA; older notation c.665-47_665-46delAA).
Molecular consequence: intron variant. On other transcripts: frameshift variant (1).
Genome position (GRCh38, 1-based): chr19:17,339,076-17,339,077, AA deleted; deleting any 2 consecutive bases within chr19:17,339,075-17,339,077 gives the same sequence; the c. name uses the placement nearest the transcript's 3' end. VCF-style (leftmost placement, unchanged base first): chr19-17339074-CAA-C. GRCh37 (hg19) VCF-style: chr19-17449883-CAA-C.
Other names: c.714_715del, p.Arg239fs (NM_133644.4); c.731-47_731-46del (NM_001195422.1); c.665-47_665-46del (NM_001128855.3); short protein forms R239fs.
Identifiers: ClinVar variation 1457148 (VCV001457148.6), dbSNP rs2145702012, ClinGen allele CA2573156142.

ClinVar aggregate classification (germline): Pathogenic (1 of 4 stars; one submission).

Submission:

Labcorp Genetics (formerly Invitae), Labcorp
Classification: Pathogenic. Last evaluated: 2022-03-29. Review status: criteria provided, single submitter. Criteria: Invitae Variant Classification Sherloc (09022015). Collection method: clinical testing. Allele origin: germline.
Comment: For these reasons, this variant has been classified as Pathogenic. This variant has not been reported in the literature in individuals affected with GTPBP3-related conditions. This variant is not present in population databases (gnomAD no frequency). This sequence change creates a premature translational stop signal (p.Arg239Alafs*79) in the GTPBP3 gene. It is expected to result in an absent or disrupted protein product. Loss-of-function variants in GTPBP3 are known to be pathogenic (PMID: 25434004).

Literature cited by the submitters: PubMed 25434004.